The following is an entry in ClinVar:

ClinVar aggregate classification (germline): Conflicting classifications of pathogenicity. Review status: no assertion criteria provided (0 of 4 stars). 3 submissions from 2 submitters: Pathogenic (1); Uncertain significance (1). 1 of the submissions does not count toward it. Last evaluated 2018-09-18.

Conditions:
Ovarian dysgenesis 7. Identifiers: MedGen C4748263, MONDO:0020857, OMIM 618117.
Premature ovarian insufficiency (POF). Also called: Premature ovarian failure. Identifiers: MedGen C4303540, HP:0008209.

Allele frequency attached by ClinVar (database versions not stated): gnomAD exomes 0.00001.
gnomAD v4.1: 9 of 1,613,992 alleles (0.00056%); highest among the groups gnomAD compares: Non-Finnish European, 0.00076%; no homozygotes.

Submissions (3):

OMIM
Classification: Pathogenic for OVARIAN DYSGENESIS 7. Last evaluated: 2018-09-18. Review status: no assertion criteria provided. Collection method: literature only. Allele origin: germline.

Lupski Lab, Baylor-Hopkins CMG, Baylor College of Medicine
Classification: Uncertain significance for Premature ovarian insufficiency. Last evaluated: 2018-03-11. Review status: no assertion criteria provided. Collection method: research. Allele origin: germline. Inheritance: Autosomal recessive inheritance. Affected: yes. Observed: 1 variant allele, 1 homozygote.
Comment: Karyotype was 46,XX. The variant was not identified in control databases including gnomAD, nor a population-specific (Turkish) database of > 1000 exomes.

Lupski Lab, Baylor-Hopkins CMG, Baylor College of Medicine
Classification: Uncertain significance for Primary Ovarian Insufficiency. Last evaluated: 2019-04-22. Review status: flagged submission. Criteria: Jolly et al. (J Clin Endocrinol Metab. 2019). Collection method: research. Allele origin: inherited, unknown. Inheritance: Autosomal recessive inheritance. Affected: yes and no. Observed: 2 variant alleles, 1 heterozygote, 1 homozygote. Not counted in ClinVar's aggregate classification.
ClinVar note: Reason: This record appears to be redundant with a more recent record from the same submitter.
ClinVar note: Notes: SCV001160734 appears to be redundant with SCV000693853.

Literature cited by the submitters: PubMed 29566152 (cited by OMIM).

NM_020191.4(MRPS22):c.404G>A (p.Arg135Gln)

Gene: MRPS22 (mitochondrial ribosomal protein S22; plus strand). Cytogenetic location: 3q23.
Variant type: single nucleotide variant.
Coding change: c.404G>A on transcript NM_020191.4 (MANE Select); coding-DNA position 404, G replaced by A.
Protein change: p.Arg135Gln; replaces arginine 135 with glutamine.
Molecular consequence: missense variant.
Genome position (GRCh38, 1-based): chr3:139,348,224, G>A. VCF-style: chr3-139348224-G-A. GRCh37 (hg19) VCF-style: chr3-139067066-G-A.
Other names: c.281G>A, p.Arg94Gln (NM_001363857.1); c.401G>A, p.Arg134Gln (NM_001363893.1); short protein forms R135Q, R134Q, R94Q.
Identifiers: ClinVar variation 496583 (VCV000496583.6), dbSNP rs774237195, ClinGen allele CA354759785.